The following is an entry in ClinVar:

NM_020822.3(KCNT1):c.1912A>G (p.Lys638Glu)

Gene: KCNT1 (potassium sodium-activated channel subfamily T member 1; plus strand). Cytogenetic location: 9q34.3.
Variant type: single nucleotide variant.
Coding change: c.1912A>G on transcript NM_020822.3 (MANE Select); coding-DNA position 1912, A replaced by G.
Protein change: p.Lys638Glu; replaces lysine 638 with glutamic acid.
Molecular consequence: missense variant.
Genome position (GRCh38, 1-based): chr9:135,770,999, A>G. VCF-style: chr9-135770999-A-G. GRCh37 (hg19) VCF-style: chr9-138662845-A-G.
Other names: c.1777A>G, p.Lys593Glu (NM_001272003.2); short protein forms K593E, K638E.
Identifiers: ClinVar variation 942347 (VCV000942347.10), dbSNP rs1832717620, ClinGen allele CA375508541.
Genomic context (GRCh38, chr9:135,770,999, plus strand): 5'-GCCTCTGACACCTGCTTCTACATCAACATCACCAAGGAGGAGAACTCGGCCTTCATCTTC[A>G]AGCAGGAGGAGAAGCGGAAGAAGAGGGCCTTCTCGGGGCAGGGGCTGCACGAGGGTCCGG-3'
Protein context (NP_065873.2, residues 628-648): TKEENSAFIF[Lys638Glu]QEEKRKKRAF

ClinVar aggregate classification (germline): Uncertain significance (1 of 4 stars; one submission).

Conditions:
Autosomal dominant nocturnal frontal lobe epilepsy 5. Also called: KCNT1-Related Epilepsy; CILIARY DYSKINESIA, PRIMARY, 28, WITHOUT SITUS INVERSUS; CILIARY DYSKINESIA, PRIMARY, 28, WITH SITUS INVERSUS; Epilepsy, nocturnal frontal lobe, 5. Identifiers: Orphanet 98784, MedGen C3554306, MONDO:0014002, OMIM 615005.
Developmental and epileptic encephalopathy, 14 (DEE14). Also called: Early infantile epileptic encephalopathy 14. Identifiers: Orphanet 293181, MedGen C3554195, MONDO:0013989, OMIM 614959.

Allele frequency attached by ClinVar (database versions not stated): gnomAD exomes below 0.00001.
gnomAD v4.1: 7 of 1,613,876 alleles (0.00043%); highest among the groups gnomAD compares: East Asian, 0.0022%; no homozygotes.

Submission:

Labcorp Genetics (formerly Invitae), Labcorp
Classification: Uncertain significance for Autosomal dominant nocturnal frontal lobe epilepsy 5; Developmental and epileptic encephalopathy, 14. Last evaluated: 2024-06-03. Review status: criteria provided, single submitter. Criteria: Invitae Variant Classification Sherloc (09022015). Collection method: clinical testing. Allele origin: germline.
Comment: This sequence change replaces lysine, which is basic and polar, with glutamic acid, which is acidic and polar, at codon 638 of the KCNT1 protein (p.Lys638Glu). This variant is not present in population databases (gnomAD no frequency). This variant has not been reported in the literature in individuals affected with KCNT1-related conditions. ClinVar contains an entry for this variant (Variation ID: 942347). Advanced modeling of protein sequence and biophysical properties (such as structural, functional, and spatial information, amino acid conservation, physicochemical variation, residue mobility, and thermodynamic stability) performed at Invitae indicates that this missense variant is not expected to disrupt KCNT1 protein function with a negative predictive value of 80%. In summary, the available evidence is currently insufficient to determine the role of this variant in disease. Therefore, it has been classified as a Variant of Uncertain Significance.